The following is an entry in ClinVar:

NM_025074.7(FRAS1):c.7758C>T (p.Ile2586=)

Gene: FRAS1 (Fraser extracellular matrix complex subunit 1; plus strand). Cytogenetic location: 4q21.21.
Variant type: single nucleotide variant.
Coding change: c.7758C>T on transcript NM_025074.7 (MANE Select); coding-DNA position 7758, C replaced by T.
Protein change: p.Ile2586=; no amino-acid change (isoleucine 2586 retained).
Molecular consequence: synonymous variant.
Genome position (GRCh38, 1-based): chr4:78,475,513, C>T. VCF-style: chr4-78475513-C-T. GRCh37 (hg19) VCF-style: chr4-79396667-C-T.
Other names: p.Ile2586=.
Identifiers: ClinVar variation 349760 (VCV000349760.16), dbSNP rs77602894, ClinGen allele CA2978201.

ClinVar aggregate classification (germline): Benign. Review status: criteria provided, multiple submitters, no conflicts (2 of 4 stars). 4 submissions from 4 submitters: Benign (4). Last evaluated 2026-02-02.

Conditions:
Fraser syndrome 1 (FRASRS1). Also called: CRYPTOPHTHALMOS WITH OTHER MALFORMATIONS. Identifiers: Orphanet 2052, MedGen C4551480, MONDO:0054737, OMIM 219000.

Allele frequency attached by ClinVar (database versions not stated): gnomAD exomes 0.00256 and 0.00638; ExAC 0.00772; gnomAD 0.02495 and 0.02660; ESP Exome Variant Server 0.02654; TOPMed 0.02893; 1000 Genomes Project 0.02975; 1000 Genomes Project 30x 0.03061.
gnomAD v4.1: 7,720 of 1,613,872 alleles (0.48%); highest among the groups gnomAD compares: African/African-American, 8.6%; 328 homozygotes.

Submissions (4):

Labcorp Genetics (formerly Invitae), Labcorp
Classification: Benign. Last evaluated: 2026-02-02. Review status: criteria provided, single submitter. Criteria: Invitae Variant Classification Sherloc (09022015). Collection method: clinical testing. Allele origin: germline.

Mayo Clinic Laboratories, Mayo Clinic
Classification: Benign. Last evaluated: 2022-10-30. Review status: criteria provided, single submitter. Criteria: ACMG Guidelines, 2015. Collection method: clinical testing. Allele origin: germline. Observed: 4 variant alleles.

Illumina Laboratory Services, Illumina
Classification: Benign for Fraser syndrome 1. Last evaluated: 2018-01-13. Review status: criteria provided, single submitter. Criteria: ICSL Variant Classification Criteria 13 December 2019. Collection method: clinical testing. Allele origin: germline.
Comment: This variant was observed in the ICSL laboratory as part of a predisposition screen in an ostensibly healthy population. It had not been previously curated by ICSL or reported in the Human Gene Mutation Database (HGMD: prior to June 1st, 2018), and was therefore a candidate for classification through an automated scoring system. Utilizing variant allele frequency, disease prevalence and penetrance estimates, and inheritance mode, an automated score was calculated to assess if this variant is too frequent to cause the disease. Based on the score and internal cut-off values, a variant classified as benign is not then subjected to further curation. The score for this variant resulted in a classification of benign for this disease.

Breakthrough Genomics
Classification: Benign. Review status: criteria provided, single submitter. Criteria: ACMG Guidelines, 2015. Collection method: not provided. Allele origin: germline. Inheritance: Autosomal recessive inheritance. Affected: yes.